The following is an entry in ClinVar:

ClinVar aggregate classification (germline): Uncertain significance (1 of 4 stars; one submission).

Conditions:
PLEKHA7-related disorder. Also called: PLEKHA7-related condition.

Submission:

PreventionGenetics, part of Exact Sciences
Classification: Uncertain significance for PLEKHA7-related condition. Last evaluated: 2025-08-06. Review status: criteria provided, single submitter. Criteria: ACMG Guidelines, 2015. Collection method: clinical testing. Allele origin: germline.
Comment: The PLEKHA7 c.2583G>T variant is predicted to result in the amino acid substitution p.Lys861Asn. To our knowledge, this variant has not been reported in the literature or in a large population database, indicating this variant is rare. At this time, the clinical significance of this variant is uncertain due to the absence of conclusive functional and genetic evidence.

NM_001329630.2(PLEKHA7):c.2583G>T (p.Lys861Asn)

Gene: PLEKHA7 (pleckstrin homology domain containing A7; minus strand). Cytogenetic location: 11p15.2.
Variant type: single nucleotide variant.
Coding change: c.2583G>T on transcript NM_001329630.2 (MANE Select); coding-DNA position 2583, G replaced by T.
Protein change: p.Lys861Asn; replaces lysine 861 with asparagine.
Molecular consequence: missense variant.
Genome position (GRCh38, 1-based): chr11:16,794,650, C>A on the plus strand (G>T on the coding strand, the complement: PLEKHA7 is on the minus strand). VCF-style: chr11-16794650-C-A. GRCh37 (hg19) VCF-style: chr11-16816197-C-A.
Other names: c.2583G>T, p.Lys861Asn (NM_001329631.2, NM_001410960.1, NM_175058.5); short protein forms K861N.
Identifiers: ClinVar variation 3344661 (VCV003344661.2).
Genomic context (GRCh38, chr11:16,794,650, plus strand): 5'-GAGTCGAACCTCCAGAGGGGTCCGCACAGGGCTGGTGGGAGGACTGGGCTGTGGGGGCGG[C>A]TTGCTCTCAGAAGTTGAGAGTGAAGGCACAGGCGGGTGAGGAAACAAAGGCACCGTTTTT-3'
Protein context (NP_001316559.1, residues 851-871): PVPSLSTSES[Lys861Asn]PPPQPSPPTS